The following is an entry in ClinVar:

ClinVar aggregate classification (germline): Uncertain significance (1 of 4 stars; one submission).

Conditions:
Inborn genetic diseases. Identifiers: MedGen C0950123, MeSH D030342.

Submission:

Ambry Genetics
Classification: Uncertain significance for Inborn genetic diseases. Last evaluated: 2016-07-11. Review status: criteria provided, single submitter. Criteria: Ambry Variant Classification Scheme 2023. Collection method: clinical testing. Allele origin: germline.
Comment: The p.I255L variant (also known as c.763A>C), located in coding exon 5 of the ACSL4 gene, results from an A to C substitution at nucleotide position 763. The isoleucine at codon 255 is replaced by leucine, an amino acid with highly similar properties. This variant was not reported in population based cohorts in the following databases: Database of Single Nucleotide Polymorphisms (dbSNP), NHLBI Exome Sequencing Project (ESP), and 1000 Genomes Project. In the ESP, this variant was not observed in 6503 samples with coverage at this position. This amino acid position is highly conserved in available vertebrate species. In addition, this alteration is predicted to be tolerated by in silico analysis. Since supporting evidence is limited at this time, the clinical significance of this alteration remains unclear.

NM_001318510.2(ACSL4):c.763A>C (p.Ile255Leu)

Gene: ACSL4 (acyl-CoA synthetase long chain family member 4; minus strand). Cytogenetic location: Xq23.
Variant type: single nucleotide variant.
Coding change: c.763A>C on transcript NM_001318510.2 (MANE Select); coding-DNA position 763, A replaced by C.
Protein change: p.Ile255Leu; replaces isoleucine 255 with leucine.
Molecular consequence: missense variant.
Genome position (GRCh38, 1-based): chrX:109,678,308, T>G on the plus strand (A>C on the coding strand, the complement: ACSL4 is on the minus strand). VCF-style: chrX-109678308-T-G. GRCh37 (hg19) VCF-style: chrX-108921537-T-G.
Other names: c.886A>C, p.Ile296Leu (NM_001318509.2, NM_022977.3); c.763A>C, p.Ile255Leu (NM_004458.3); short protein forms I255L, I296L.
Identifiers: ClinVar variation 587859 (VCV000587859.5), dbSNP rs1569427252, ClinGen allele CA414217576.